The following is an entry in ClinVar:

NM_006180.6(NTRK2):c.1259C>T (p.Thr420Ile)

Gene: NTRK2 (neurotrophic receptor tyrosine kinase 2; plus strand). Cytogenetic location: 9q21.33.
Variant type: single nucleotide variant.
Coding change: c.1259C>T on transcript NM_006180.6 (MANE Select); coding-DNA position 1259, C replaced by T.
Protein change: p.Thr420Ile; replaces threonine 420 with isoleucine.
Molecular consequence: missense variant.
Genome position (GRCh38, 1-based): chr9:84,745,036, C>T. VCF-style: chr9-84745036-C-T. GRCh37 (hg19) VCF-style: chr9-87359951-C-T.
Other names: c.1259C>T (NM_006180.4, NM_006180.3); c.1259C>T, p.Thr420Ile (NM_001007097.3, NM_001018064.3, NM_001018065.2 and 15 more transcripts); c.1220C>T, p.Thr407Ile (NM_001291937.2, NM_001369546.1); c.1223C>T, p.Thr408Ile (NM_001369534.1); c.791C>T, p.Thr264Ile (NM_001369535.1, NM_001369536.1, NM_001369550.1 and 2 more transcripts); short protein forms T407I, T420I, T264I, T408I.
Identifiers: ClinVar variation 1523086 (VCV001523086.10), dbSNP rs1167335341, ClinGen allele CA374006899.

ClinVar aggregate classification (germline): Uncertain significance. Review status: criteria provided, multiple submitters, no conflicts (2 of 4 stars). 3 submissions from 3 submitters: Uncertain significance (2). 1 of the submissions does not count toward it. Last evaluated 2025-09-14.

Conditions:
Inborn genetic diseases. Identifiers: MedGen C0950123, MeSH D030342.
NTRK2-related disorder. Also called: NTRK2-related condition.

Allele frequency attached by ClinVar (database versions not stated): gnomAD 0.00001; gnomAD exomes 0.00001; TOPMed 0.00001.
gnomAD v4.1: 5 of 1,613,684 alleles (0.00031%); highest among the groups gnomAD compares: Non-Finnish European, 0.00042%; no homozygotes.

Submissions (3):

Labcorp Genetics (formerly Invitae), Labcorp
Classification: Uncertain significance. Last evaluated: 2025-09-14. Review status: criteria provided, single submitter. Criteria: Invitae Variant Classification Sherloc (09022015). Collection method: clinical testing. Allele origin: germline.
Comment: This sequence change replaces threonine, which is neutral and polar, with isoleucine, which is neutral and non-polar, at codon 420 of the NTRK2 protein (p.Thr420Ile). This variant is not present in population databases (gnomAD no frequency). This variant has not been reported in the literature in individuals affected with NTRK2-related conditions. ClinVar contains an entry for this variant (Variation ID: 1523086). An algorithm developed to predict the effect of missense changes on protein structure and function (PolyPhen-2) suggests that this variant is likely to be disruptive. In summary, the available evidence is currently insufficient to determine the role of this variant in disease. Therefore, it has been classified as a Variant of Uncertain Significance.

Ambry Genetics
Classification: Uncertain significance for Inborn genetic diseases. Last evaluated: 2025-08-25. Review status: criteria provided, single submitter. Criteria: Ambry Variant Classification Scheme 2023. Collection method: clinical testing. Allele origin: germline.

PreventionGenetics, part of Exact Sciences
Classification: Uncertain significance for NTRK2-related condition. Last evaluated: 2024-05-01. Review status: no assertion criteria provided. Collection method: clinical testing. Allele origin: germline. Not counted in ClinVar's aggregate classification.
Comment: The NTRK2 c.1259C>T variant is predicted to result in the amino acid substitution p.Thr420Ile. To our knowledge, this variant has not been reported in the literature or in a large population database, indicating this variant is rare. At this time, the clinical significance of this variant is uncertain due to the absence of conclusive functional and genetic evidence.